The following is an entry in ClinVar:

ClinVar aggregate classification (germline): Pathogenic (1 of 4 stars; one submission).

Conditions:
Ataxia-telangiectasia syndrome (AT). Also called: Ataxia-telangiectasia, complementation group D; LOUIS-BAR SYNDROME; ATAXIA-TELANGIECTASIA, COMPLEMENTATION GROUP A; ATAXIA-TELANGIECTASIA, FRESNO VARIANT; Ataxia telangiectasia (A-T); Cerebello-oculocutaneous telangiectasia. Identifiers: Orphanet 100, MedGen C0004135, MONDO:0008840, OMIM 208900.

Submission:

Labcorp Genetics (formerly Invitae), Labcorp
Classification: Pathogenic for Ataxia-telangiectasia syndrome. Last evaluated: 2025-11-17. Review status: criteria provided, single submitter. Criteria: Invitae Variant Classification Sherloc (09022015). Collection method: clinical testing. Allele origin: germline.
Comment: This sequence change creates a premature translational stop signal (p.Cys1482Leufs*17) in the ATM gene. It is expected to result in an absent or disrupted protein product. Loss-of-function variants in ATM are known to be pathogenic (PMID: 23807571, 25614872). This variant is not present in population databases (gnomAD no frequency). This variant has not been reported in the literature in individuals affected with ATM-related conditions. ClinVar contains an entry for this variant (Variation ID: 2772455). For these reasons, this variant has been classified as Pathogenic.

Literature cited by the submitters: PubMed 23807571; PubMed 25614872.

NM_000051.4(ATM):c.4445del (p.Cys1482fs)

Gene: ATM (ATM serine/threonine kinase; plus strand). Cytogenetic location: 11q22.3.
Variant type: Deletion.
Coding change: c.4445del on transcript NM_000051.4 (MANE Select); coding-DNA position 4445, one base deleted (G; older notation c.4445delG).
Protein change: p.Cys1482fs; shifts the reading frame from cysteine 1482.
Molecular consequence: frameshift variant.
Genome position (GRCh38, 1-based): chr11:108,292,627, G deleted. VCF-style (leftmost placement, unchanged base first): chr11-108292626-TG-T. GRCh37 (hg19) VCF-style: chr11-108163353-TG-T.
Other names: c.4445del, p.Cys1482fs (NM_001351834.2); short protein forms C1482fs.
Identifiers: ClinVar variation 2772455 (VCV002772455.3), dbSNP rs2546923922, ClinGen allele CA2697558825.